The following is an entry in ClinVar:

NM_000264.5(PTCH1):c.331del (p.Ala111fs)

Gene: PTCH1 (patched 1; minus strand). Cytogenetic location: 9q22.32.
Variant type: Deletion.
Coding change: c.331del on transcript NM_000264.5 (MANE Select); coding-DNA position 331, one base deleted (G; older notation c.331delG).
Protein change: p.Ala111fs; shifts the reading frame from alanine 111.
Molecular consequence: frameshift variant. On other transcripts: 5 prime UTR variant (4), non-coding transcript variant (1).
Genome position (GRCh38, 1-based): chr9:95,506,470, C deleted on the plus strand (G on the coding strand, the reverse complement: PTCH1 is on the minus strand); the first of 4 consecutive C bases (chr9:95,506,470-95,506,473); deleting any one gives the same sequence. VCF-style (leftmost placement, unchanged base first): chr9-95506469-GC-G. GRCh37 (hg19) VCF-style: chr9-98268751-GC-G.
Other names: c.133del, p.Ala45fs (NM_001083602.3, NM_001354919.2); c.328del, p.Ala110fs (NM_001083603.3); c.-123del (NM_001083604.3, NM_001083605.3, NM_001083606.3 and 1 more transcripts); c.331del, p.Ala111fs (NM_001354918.2); short protein forms A110fs, A45fs, A111fs.
Identifiers: ClinVar variation 2735296 (VCV002735296.3), dbSNP rs2538382746, ClinGen allele CA2695203272.

ClinVar aggregate classification (germline): Pathogenic (1 of 4 stars; one submission).

Conditions:
Gorlin syndrome. Also called: Basal cell nevus syndrome; Nevoid Basal Cell Carcinoma Syndrome. Identifiers: Orphanet 377, MedGen C0004779, MONDO:0007187.

Submission:

Labcorp Genetics (formerly Invitae), Labcorp
Classification: Pathogenic for Gorlin syndrome. Last evaluated: 2023-04-06. Review status: criteria provided, single submitter. Criteria: Invitae Variant Classification Sherloc (09022015). Collection method: clinical testing. Allele origin: germline.
Comment: This sequence change creates a premature translational stop signal (p.Ala111Profs*6) in the PTCH1 gene. It is expected to result in an absent or disrupted protein product. Loss-of-function variants in PTCH1 are known to be pathogenic (PMID: 16301862, 16419085). This variant is not present in population databases (gnomAD no frequency). This premature translational stop signal has been observed in individual(s) with basal cell nevus syndrome (PMID: 18302678). For these reasons, this variant has been classified as Pathogenic.

Literature cited by the submitters: PubMed 16301862; PubMed 16419085; PubMed 18302678.